The following is an entry in ClinVar:

ClinVar aggregate classification (germline): Uncertain significance (1 of 4 stars; one submission).

gnomAD v4.1: 2 of 1,613,088 alleles (0.00012%); highest among the groups gnomAD compares: East Asian, 0.0022%; no homozygotes.

Submission:

Dasa
Classification: Uncertain significance. Last evaluated: 2025-09-03. Review status: criteria provided, single submitter. Criteria: DASA Assertion Criteria. Collection method: clinical testing. Allele origin: germline.
Comment: NM_001386298.1(CIC):c.5432C>T (p.Ser1811Leu) is a missense variant that results in the substitution of serine with leucine. This variant is rare in population databases. Computational prediction algorithms are consistent with a benign effect. The currently available literature and clinical evidence are not sufficient to establish a definitive association between this variant and the reported condition. Therefore, this variant is classified as a variant of uncertain significance.

NM_001386298.1(CIC):c.5432C>T (p.Ser1811Leu)

Gene: CIC (capicua transcriptional repressor; plus strand). Cytogenetic location: 19q13.2.
Variant type: single nucleotide variant.
Coding change: c.5432C>T on transcript NM_001386298.1 (MANE Select); coding-DNA position 5432, C replaced by T.
Protein change: p.Ser1811Leu; replaces serine 1811 with leucine.
Molecular consequence: missense variant.
Genome position (GRCh38, 1-based): chr19:42,291,564, C>T. VCF-style: chr19-42291564-C-T. GRCh37 (hg19) VCF-style: chr19-42795716-C-T.
Other names: c.5432C>T, p.Ser1811Leu (NM_001304815.2, NM_001379480.1, NM_001379482.1 and 6 more transcripts); c.2705C>T, p.Ser902Leu (NM_001379484.1, NM_001379485.1, NM_001439189.1 and 3 more transcripts); short protein forms S1811L, S902L.
Identifiers: ClinVar variation 4886156 (VCV004886156.2).
Genomic context (GRCh38, chr19:42,291,564, plus strand): 5'-TAGTCCTGTTTGGCTCCCTTGTAACCTTTTCCTTTCTTGCCTCTTAACTTCCAGCCCAGT[C>T]AGTTTCTCCCGTGCAGGCCCCGCCCCCGGGTGGCTCAGCCCAGCTGCTGCCTGGGAAGGT-3'
Protein context (NP_001373227.1, residues 1801-1821): VPSAPPPKAQ[Ser1811Leu]VSPVQAPPPG